The following is an entry in ClinVar:

NM_004385.5(VCAN):c.2542G>A (p.Glu848Lys)

Gene: VCAN (versican; plus strand). Cytogenetic location: 5q14.3.
Variant type: single nucleotide variant.
Coding change: c.2542G>A on transcript NM_004385.5 (MANE Select); coding-DNA position 2542, G replaced by A.
Protein change: p.Glu848Lys; replaces glutamic acid 848 with lysine.
Molecular consequence: missense variant. On other transcripts: intron variant (2).
Genome position (GRCh38, 1-based): chr5:83,520,848, G>A. VCF-style: chr5-83520848-G-A. GRCh37 (hg19) VCF-style: chr5-82816667-G-A.
Other names: c.2542G>A, p.Glu848Lys (NM_001164098.2); c.1042+8452G>A (NM_001164097.2, NM_001126336.3); short protein forms E848K.
Identifiers: ClinVar variation 354407 (VCV000354407.39), dbSNP rs188853533, ClinGen allele CA3332860.

ClinVar aggregate classification (germline): Conflicting classifications of pathogenicity. Review status: criteria provided, conflicting classifications (1 of 4 stars). 6 submissions from 6 submitters: Uncertain significance (2); Benign (1); Likely benign (2). 1 of the submissions does not count toward it. Last evaluated 2025-08-20.

Conditions:
Inborn genetic diseases. Identifiers: MedGen C0950123, MeSH D030342.
Vitreoretinopathy. Also called: Vitreoretinal degeneration. Identifiers: MedGen C0344290, MONDO:0020248, HP:0007773.
VCAN-related disorder. Also called: VCAN-related condition.

Allele frequency attached by ClinVar (database versions not stated): ESP Exome Variant Server 0.00008; gnomAD exomes 0.00020 and 0.00026; 1000 Genomes Project 30x 0.00031; gnomAD 0.00009 and 0.00013; TOPMed 0.00019; 1000 Genomes Project 0.00020; ExAC 0.00020.

Submissions (6):

Labcorp Genetics (formerly Invitae), Labcorp
Classification: Uncertain significance. Last evaluated: 2025-08-20. Review status: criteria provided, single submitter. Criteria: Invitae Variant Classification Sherloc (09022015). Collection method: clinical testing. Allele origin: germline.
Comment: This sequence change replaces glutamic acid, which is acidic and polar, with lysine, which is basic and polar, at codon 848 of the VCAN protein (p.Glu848Lys). This variant is present in population databases (rs188853533, gnomAD 0.06%), and has an allele count higher than expected for a pathogenic variant. This variant has not been reported in the literature in individuals affected with VCAN-related conditions. ClinVar contains an entry for this variant (Variation ID: 354407). An algorithm developed to predict the effect of missense changes on protein structure and function (PolyPhen-2) suggests that this variant is likely to be tolerated. In summary, the available evidence is currently insufficient to determine the role of this variant in disease. Therefore, it has been classified as a Variant of Uncertain Significance.

Blueprint Genetics
Classification: Likely benign. Last evaluated: 2024-11-22. Review status: criteria provided, single submitter. Criteria: ACMG Guidelines, 2015. Collection method: clinical testing. Allele origin: germline.

CeGaT Center for Human Genetics Tuebingen
Classification: Likely benign. Last evaluated: 2023-02-01. Review status: criteria provided, single submitter. Criteria: CeGaT Center For Human Genetics Tuebingen Variant Classification Criteria Version 2. Collection method: clinical testing. Allele origin: germline. Affected: yes. Observed: 2 variant alleles.
Comment: VCAN: BP4, BS2

Ambry Genetics
Classification: Uncertain significance for Inborn genetic diseases. Last evaluated: 2021-06-18. Review status: criteria provided, single submitter. Criteria: Ambry Variant Classification Scheme 2023. Collection method: clinical testing. Allele origin: germline.

Illumina Laboratory Services, Illumina
Classification: Benign for Vitreoretinopathy. Last evaluated: 2018-01-12. Review status: criteria provided, single submitter. Criteria: ICSL Variant Classification Criteria 13 December 2019. Collection method: clinical testing. Allele origin: germline.
Comment: This variant was observed in the ICSL laboratory as part of a predisposition screen in an ostensibly healthy population. It had not been previously curated by ICSL or reported in the Human Gene Mutation Database (HGMD: prior to June 1st, 2018), and was therefore a candidate for classification through an automated scoring system. Utilizing variant allele frequency, disease prevalence and penetrance estimates, and inheritance mode, an automated score was calculated to assess if this variant is too frequent to cause the disease. Based on the score and internal cut-off values, a variant classified as benign is not then subjected to further curation. The score for this variant resulted in a classification of benign for this disease.

PreventionGenetics, part of Exact Sciences
Classification: Likely benign for VCAN-related condition. Last evaluated: 2024-04-29. Review status: no assertion criteria provided. Collection method: clinical testing. Allele origin: germline. Not counted in ClinVar's aggregate classification.
Comment: This variant is classified as likely benign based on ACMG/AMP sequence variant interpretation guidelines (Richards et al. 2015 PMID: 25741868, with internal and published modifications).